The following is an entry in ClinVar:

ClinVar aggregate classification (germline): Uncertain significance. Review status: criteria provided, multiple submitters, no conflicts (2 of 4 stars). 2 submissions from 2 submitters: Uncertain significance (2). Last evaluated 2025-12-06.

Conditions:
Saldino-Mainzer syndrome (SRTD9). Also called: CONORENAL SYNDROME; SHORT-RIB THORACIC DYSPLASIA 9 WITHOUT POLYDACTYLY; Renal dysplasia, retinal pigmentary dystrophy, cerebellar ataxia and skeletal dysplasia; short-rib thoracic dysplasia 9 with or without polydactyly. Identifiers: Orphanet 140969, MedGen C1849437, MONDO:0009964, OMIM 266920.
Retinitis pigmentosa 80 (RP80). Identifiers: MedGen C4540439, MONDO:0054708, OMIM 617781.

gnomAD v4.1: 4 of 1,613,924 alleles (0.00025%); highest among the groups gnomAD compares: South Asian, 0.0044%; no homozygotes.

Submissions (2):

Labcorp Genetics (formerly Invitae), Labcorp
Classification: Uncertain significance for Saldino-Mainzer syndrome. Last evaluated: 2025-12-06. Review status: criteria provided, single submitter. Criteria: Invitae Variant Classification Sherloc (09022015). Collection method: clinical testing. Allele origin: germline.
Comment: This sequence change replaces valine, which is neutral and non-polar, with methionine, which is neutral and non-polar, at codon 268 of the IFT140 protein (p.Val268Met). This variant is present in population databases (no rsID available, gnomAD 0.003%). This variant has not been reported in the literature in individuals affected with IFT140-related conditions. ClinVar contains an entry for this variant (Variation ID: 3578671). Invitae Evidence Modeling of protein sequence and biophysical properties (such as structural, functional, and spatial information, amino acid conservation, physicochemical variation, residue mobility, and thermodynamic stability) indicates that this missense variant is not expected to disrupt IFT140 protein function with a negative predictive value of 95%. In summary, the available evidence is currently insufficient to determine the role of this variant in disease. Therefore, it has been classified as a Variant of Uncertain Significance.

Fulgent Genetics
Classification: Uncertain significance for Saldino-Mainzer syndrome; Retinitis pigmentosa 80. Last evaluated: 2024-03-07. Review status: criteria provided, single submitter. Criteria: ACMG Guidelines, 2015. Collection method: clinical testing. Allele origin: germline.

NM_014714.4(IFT140):c.802G>A (p.Val268Met)

Genes: IFT140 (intraflagellar transport 140; minus strand), LOC105371046 (uncharacterized LOC105371046; plus strand). Cytogenetic location: 16p13.3.
Variant type: single nucleotide variant.
Coding change: c.802G>A on transcript NM_014714.4 (MANE Select); coding-DNA position 802, G replaced by A.
Protein change: p.Val268Met; replaces valine 268 with methionine.
Molecular consequence: missense variant.
Genome position (GRCh38, 1-based): chr16:1,589,613, C>T on the plus strand (G>A on the coding strand, the complement: IFT140 is on the minus strand). VCF-style: chr16-1589613-C-T. GRCh37 (hg19) VCF-style: chr16-1639614-C-T.
Other names: short protein forms V268M.
Identifiers: ClinVar variation 3578671 (VCV003578671.2).